The following is an entry in ClinVar:

ClinVar aggregate classification (germline): Uncertain significance (1 of 4 stars; one submission).

Conditions:
Neurodevelopmental disorder with or without hyperkinetic movements and seizures, autosomal dominant. Also called: Intellectual disability, autosomal dominant 8. Identifiers: MedGen C3280282, MONDO:0013655, OMIM 614254.

Submission:

Labcorp Genetics (formerly Invitae), Labcorp
Classification: Uncertain significance for Neurodevelopmental disorder with or without hyperkinetic movements and seizures, autosomal dominant. Last evaluated: 2024-03-11. Review status: criteria provided, single submitter. Criteria: Invitae Variant Classification Sherloc (09022015). Collection method: clinical testing. Allele origin: germline.
Comment: This sequence change replaces threonine, which is neutral and polar, with methionine, which is neutral and non-polar, at codon 665 of the GRIN1 protein (p.Thr665Met). This variant is not present in population databases (gnomAD no frequency). This variant has not been reported in the literature in individuals affected with GRIN1-related conditions. ClinVar contains an entry for this variant (Variation ID: 2133629). Advanced modeling of protein sequence and biophysical properties (such as structural, functional, and spatial information, amino acid conservation, physicochemical variation, residue mobility, and thermodynamic stability) has been performed at Invitae for this missense variant, however the output from this modeling did not meet the statistical confidence thresholds required to predict the impact of this variant on GRIN1 protein function. In summary, the available evidence is currently insufficient to determine the role of this variant in disease. Therefore, it has been classified as a Variant of Uncertain Significance.

NM_007327.4(GRIN1):c.1994C>T (p.Thr665Met)

Gene: GRIN1 (glutamate ionotropic receptor NMDA type subunit 1; plus strand). Cytogenetic location: 9q34.3.
Variant type: single nucleotide variant.
Coding change: c.1994C>T on transcript NM_007327.4 (MANE Select); coding-DNA position 1994, C replaced by T.
Protein change: p.Thr665Met; replaces threonine 665 with methionine.
Molecular consequence: missense variant.
Genome position (GRCh38, 1-based): chr9:137,162,720, C>T. VCF-style: chr9-137162720-C-T. GRCh37 (hg19) VCF-style: chr9-140057172-C-T.
Other names: c.1994C>T, p.Thr665Met (NM_000832.7, NM_021569.4); c.2057C>T, p.Thr686Met (NM_001185090.2, NM_001185091.2); short protein forms T665M, T686M.
Identifiers: ClinVar variation 2133629 (VCV002133629.4), dbSNP rs2538641321, ClinGen allele CA375721344.